The following continues an entry in ClinVar:

NM_002878.4(RAD51D):c.26G>C (p.Cys9Ser)

ClinVar aggregate classification (germline): Conflicting classifications of pathogenicity. Uncertain significance (9); Likely benign (10).

Submissions 15 to 21 of 21:

Sema4
Classification: Uncertain significance for Hereditary cancer-predisposing syndrome. Last evaluated: 2021-09-09. Review status: criteria provided, single submitter. Criteria: Sema4 Curation Guidelines. Collection method: curation. Allele origin: germline.
Comment: The RAD51D c.26G>C (p.C9S) variant has been reported in multiple individuals with breast, ovarian, or colorectal cancer, and was also identified in several healthy controls (PMID: 33471991, 22986143, 21822267, 24139550, 24130102, 25186627, 26261251, 28135145, 31206626). In one study, this variant was reported in an individual who also carries a BRCA2 frameshift pathogenic variant (PMID: 25186627). It was observed in 91/126700 chromosomes of the Non-Finnish European subpopulation, with one homozygote among all ethnicities, in the large and broad cohorts of the Genome Aggregation Database. The variant has been reported in ClinVar (Variation ID 127886). Functional studies have not been performed, and in silico predictions of the variant's effect on protein function are inconclusive. The evidence is insufficient to meet ACMG/AMP criteria for classifying the variant as benign or pathogenic. Thus, the clinical significance of this variant is currently uncertain.

Ambry Genetics
Classification: Likely benign for Hereditary cancer-predisposing syndrome. Last evaluated: 2021-03-26. Review status: criteria provided, single submitter. Criteria: Ambry Variant Classification Scheme 2023. Collection method: clinical testing. Allele origin: germline.

Color Diagnostics, LLC DBA Color Health
Classification: Likely benign for Hereditary cancer-predisposing syndrome. Last evaluated: 2020-01-07. Review status: criteria provided, single submitter. Criteria: ACMG Guidelines, 2015. Collection method: clinical testing. Allele origin: germline.
Comment: This missense variant replaces cysteine with serine at codon 9 of the RAD51D protein. Computational prediction suggests that this variant may not impact protein structure and function (internally defined REVEL score threshold <= 0.5, PMID: 27666373). Splice site prediction tools suggest that this variant may not impact RNA splicing. To our knowledge, functional studies have not been performed for this variant. This variant has been observed in individuals affected with breast and/or ovarian cancer (PMID: 21822267, 22986143, 24130102, 24139550, 26261251), cervical cancer (PMID: 31007844) and healthy controls and unaffected individuals (PMID: 21822267, 26261251; FLOSSIES database). This variant has been identified in 113/278930 chromosomes in the general population by the Genome Aggregation Database (gnomAD). The available evidence is insufficient to determine the role of this variant in disease conclusively. Therefore, this variant is classified as a Variant of Uncertain Significance.

Division of Medical Genetics, University of Washington
Classification: Uncertain significance for Breast-ovarian cancer, familial, susceptibility to, 4. Last evaluated: 2019-12-16. Review status: criteria provided, single submitter. Criteria: ACMG Guidelines, 2015. Collection method: clinical testing. Allele origin: germline. Affected: no. Study: CSER_CHARM.
Comment: This variant has been reported in the literature in individuals with breast and/or ovarian cancer (Wickramanayake 2012, Gutierrez-EnrÃ­quez 2014, Song 2015). This variant has an allele frequency of 0.0004 in the Broad Institute gnomAD Browser. In silico analyses indicate this is an evolutionarily conserved residue. Thus, it is unknown at this time whether this variant increases cancer risk. PP3

Eurofins Ntd Llc (ga)
Classification: Uncertain significance. Last evaluated: 2018-05-29. Review status: criteria provided, single submitter. Criteria: EGL ClinVar v180209 classification definitions. Collection method: clinical testing. Allele origin: germline. Observed: 1 variant allele, 1 heterozygote.

Counsyl
Classification: Uncertain significance for Breast-ovarian cancer, familial, susceptibility to, 4. Last evaluated: 2016-06-09. Review status: no assertion criteria provided. Collection method: clinical testing. Allele origin: unknown. Not counted in ClinVar's aggregate classification.

Department of Pathology and Laboratory Medicine, Sinai Health System
Classification: Uncertain significance for Malignant tumor of breast. Review status: no assertion criteria provided. Collection method: clinical testing. Allele origin: unknown. Affected: yes. Study: The Canadian Open Genetics Repository (COGR). Not counted in ClinVar's aggregate classification.
Comment: The RAD51D p.Cys9Ser variant was identified in 9 of 12002 proband chromosomes (frequency: 0.0007) from Spanish, British and American individuals or families with BRCA1/2 negative breast/ovarian cancer or ovarian cancer and was identified in 3 of 7674 chromosomes from healthy individuals (Gutierrez-Enriquez 2013, Loveday 2011, Wickramanayake 2012, Song 2015). A case-control study of 3,429 patients with invasive ovarian cancer (unselected for family history) and 2,772 controls sequenced for RAD51B/C/D mutations found that RAD51C and RAD51D are moderate ovarian cancer susceptibility genes (Song 2015). The variant was identified in dbSNP (ID: rs140825795) â€šÃ„ÃºWith Uncertain significance alleleâ€šÃ„Ã¹, ClinVar (classified uncertain significance by GeneDx, Ambry Genetics, Invitae, Counsyl, Color Genomics Inc. and Quest Diagnostics Nichols Institute San Juan Capistrano), Clinvitae (3x), and was not identified in Cosmic or LOVD 3.0. The variant was also identified in control databases in 109 (1 homozygous) of 273460 chromosomes at a frequency of 0.0004 (Genome Aggregation Database Feb 27, 2017). It was observed in the following populations: African in 4 of 23938 chromosomes (freq: 0.0002), â€šÃ„ÃºOtherâ€šÃ„Ã¹ in 2 of 6436 chromosomes (freq: 0.0003), Latino in 13 (1 homozygous) of 34392 chromosomes (freq: 0.0004), European Non-Finnish in 88 of 124366 chromosomes (freq: 0.0007), European Finnish in 2 of 24602 chromosomes (freq: 0.00008); it was not observed in the Ashkenazi Jewish, East Asian, and South Asian populations. The p.Cys9Ser residue is conserved in mammals and computational analyses (PolyPhen-2, SIFT, AlignGVGD, BLOSUM, MutationTaster) provide inconsistent predictions regarding the impact to the protein; this information is not very predictive of pathogenicity. The variant occurs outside of the splicing consensus sequence and in silico or computational prediction software programs (SpliceSiteFinder, MaxEntScan, NNSPLICE, GeneSplicer, HumanSpliceFinder) do not predict a difference in splicing. In summary, based on the above information the clinical significance of this variant cannot be determined with certainty at this time. This variant is classified as a variant of uncertain significance.

Literature cited by the submitters: PubMed 24130102 (cited by 5 submitters); PubMed 21822267 (cited by 5 submitters); PubMed 25340522 (cited by Women's Health and Genetics/Laboratory Corporation of America, LabCorp and Quest Diagnostics Nichols Institute San Juan Capistrano); PubMed 24139550 (cited by 4 submitters); PubMed 22986143 (cited by 5 submitters); PubMed 26261251 (cited by 5 submitters); PubMed 25186627 (cited by 3 submitters); PubMed 28135145 (cited by 3 submitters); PubMed 31206626 (cited by 3 submitters); PubMed 31007844 (cited by Women's Health and Genetics/Laboratory Corporation of America, LabCorp and Quest Diagnostics Nichols Institute San Juan Capistrano); PubMed 39907309 (cited by Women's Health and Genetics/Laboratory Corporation of America, LabCorp); PubMed 25085752 (cited by Myriad Genetics, Inc.); PubMed 34117267 (cited by Quest Diagnostics Nichols Institute San Juan Capistrano); PubMed 33203166 (cited by Quest Diagnostics Nichols Institute San Juan Capistrano); PubMed 29641532 (cited by Quest Diagnostics Nichols Institute San Juan Capistrano); PubMed 32885271 (cited by Quest Diagnostics Nichols Institute San Juan Capistrano); PubMed 30306255 (cited by Quest Diagnostics Nichols Institute San Juan Capistrano); PubMed 34923718 (cited by Quest Diagnostics Nichols Institute San Juan Capistrano); PubMed 37231433 (cited by Quest Diagnostics Nichols Institute San Juan Capistrano); PubMed 33606809 (cited by Quest Diagnostics Nichols Institute San Juan Capistrano); PubMed 35980532 (cited by Quest Diagnostics Nichols Institute San Juan Capistrano); PubMed 29522266 (cited by Quest Diagnostics Nichols Institute San Juan Capistrano); PubMed 33471991 (cited by Quest Diagnostics Nichols Institute San Juan Capistrano and Sema4).